The following is an entry in ClinVar:

NM_000143.4(FH):c.556-4A>G

Gene: FH (fumarate hydratase; minus strand). Cytogenetic location: 1q43.
Variant type: single nucleotide variant.
Coding change: c.556-4A>G on transcript NM_000143.4 (MANE Select); 4 bases into the intron before coding-DNA position 556, A replaced by G.
Molecular consequence: intron variant.
Genome position (GRCh38, 1-based): chr1:241,508,789, T>C on the plus strand (A>G on the coding strand, the complement: FH is on the minus strand). VCF-style: chr1-241508789-T-C. GRCh37 (hg19) VCF-style: chr1-241672089-T-C.
Identifiers: ClinVar variation 405926 (VCV000405926.38), dbSNP rs370229813, ClinGen allele CA1478652.

ClinVar aggregate classification (germline): Conflicting classifications of pathogenicity. Review status: criteria provided, conflicting classifications (1 of 4 stars). 8 submissions from 8 submitters: Uncertain significance (5); Likely benign (2). 1 of the submissions does not count toward it. Last evaluated 2025-12-30.

Conditions:
Fumarase deficiency (FMRD). Also called: Fumaric aciduria; Fumarate Hydratase Deficiency. Identifiers: Orphanet 24, MedGen C0342770, MONDO:0011730, OMIM 606812.
Hereditary leiomyomatosis and renal cell cancer. Also called: LEIOMYOMA, MULTIPLE CUTANEOUS; MULTIPLE CUTANEOUS AND UTERINE LEIOMYOMATA 1, WITH OR WITHOUT RENAL CELL CARCINOMA; Reed syndrome; Multiple cutaneous and uterine leiomyomatosis; Cutaneous leiomyomata with uterine leiomyomata; Leiomyoma, hereditary multiple, of skin. Identifiers: Orphanet 523, MedGen C1708350, MONDO:0007888, OMIM 150800, HP:0007437. Disease mechanism: loss of function.
Hereditary cancer-predisposing syndrome. Also called: Neoplastic Syndromes, Hereditary; Hereditary Cancer Syndrome; Hereditary neoplastic syndrome; Tumor predisposition. Identifiers: Orphanet 140162, MedGen C0027672, MeSH D009386, MONDO:0015356.

Allele frequency attached by ClinVar (database versions not stated): gnomAD 0.00004; gnomAD exomes 0.00004 and 0.00005; TOPMed 0.00005; ExAC 0.00008; ESP Exome Variant Server 0.00015.

Submissions (8):

Labcorp Genetics (formerly Invitae), Labcorp
Classification: Uncertain significance. Last evaluated: 2025-12-30. Review status: criteria provided, single submitter. Criteria: Invitae Variant Classification Sherloc (09022015). Collection method: clinical testing. Allele origin: germline.
Comment: This sequence change falls in intron 4 of the FH gene. It does not directly change the encoded amino acid sequence of the FH protein. This variant is present in population databases (rs370229813, gnomAD 0.02%). This variant has not been reported in the literature in individuals affected with FH-related conditions. ClinVar contains an entry for this variant (Variation ID: 405926). Studies have shown that this variant is associated with inconclusive levels of altered splicing (internal data). In summary, the available evidence is currently insufficient to determine the role of this variant in disease. Therefore, it has been classified as a Variant of Uncertain Significance.

Quest Diagnostics Nichols Institute San Juan Capistrano
Classification: Uncertain significance. Last evaluated: 2025-06-04. Review status: criteria provided, single submitter. Criteria: Quest Diagnostics criteria. Collection method: clinical testing. Allele origin: unknown.
Comment: The FH c.556-4A>G variant has not been reported in individuals with FH-related conditions in the published literature. The frequency of this variant in the general population (Genome Aggregation Database) is higher than would generally be expected for pathogenic variants in this gene. Analysis of this variant using software algorithms for the prediction of the effect of nucleotide changes on splicing yielded predictions that this variant may affect proper FH mRNA splicing. Based on the available information, we are unable to determine the clinical significance of this variant.

Center for Genomic Medicine, Rigshospitalet, Copenhagen University Hospital
Classification: Uncertain significance. Last evaluated: 2025-03-04. Review status: criteria provided, single submitter. Criteria: ACMG Guidelines, 2015. Collection method: clinical testing. Allele origin: germline.

Myriad Genetics, Inc.
Classification: Likely benign for Hereditary leiomyomatosis and renal cell cancer. Last evaluated: 2024-10-18. Review status: criteria provided, single submitter. Criteria: Myriad Autosomal Dominant, Autosomal Recessive and X-Linked Classification Criteria (2023). Collection method: clinical testing. Allele origin: unknown.
Comment: This variant is considered likely benign. This variant is intronic and is not expected to impact mRNA splicing. This variant has been observed at a population frequency that is significantly greater than expected given the associated disease prevalence and penetrance.

GeneDx
Classification: Uncertain significance. Last evaluated: 2023-08-17. Review status: criteria provided, single submitter. Criteria: GeneDx Variant Classification Process June 2021. Collection method: clinical testing. Allele origin: germline. Affected: yes.
Comment: Identified in an adolescent with bilateral pheochromocytoma who also harbored a missense variant in VHL, and tumor testing suggested there was at least partial loss of heterozygosity for the VHL variant (Lautenbach et al., 2016); In silico analysis supports a deleterious effect on splicing; This variant is associated with the following publications: (PMID: 30761759)

Fulgent Genetics
Classification: Uncertain significance for Hereditary leiomyomatosis and renal cell cancer; Fumarase deficiency. Last evaluated: 2022-03-11. Review status: criteria provided, single submitter. Criteria: ACMG Guidelines, 2015. Collection method: clinical testing. Allele origin: unknown.

Ambry Genetics
Classification: Likely benign for Hereditary cancer-predisposing syndrome. Last evaluated: 2021-11-29. Review status: criteria provided, single submitter. Criteria: Ambry Variant Classification Scheme 2023. Collection method: clinical testing. Allele origin: germline.

Natera, Inc.
Classification: Uncertain significance for Fumarase deficiency. Last evaluated: 2020-09-16. Review status: no assertion criteria provided. Collection method: clinical testing. Allele origin: germline. Not counted in ClinVar's aggregate classification.

Literature cited by the submitters: PubMed 30761759 (cited by Ambry Genetics).